The following is an entry in ClinVar:

ClinVar aggregate classification (germline): Uncertain significance. Review status: criteria provided, multiple submitters, no conflicts (2 of 4 stars). 3 submissions from 3 submitters: Uncertain significance (3). Last evaluated 2024-05-15.

Conditions:
Acrocallosal syndrome (ACLS). Also called: HALLUX DUPLICATION, POSTAXIAL POLYDACTYLY, AND ABSENCE OF CORPUS CALLOSUM; Schinzel syndrome 1; Absence of corpus callosum with unusual facial appearance, mental deficiency, duplication of the halluces and polydactyly. Identifiers: Orphanet 36, MedGen C0796147, MONDO:0008708, OMIM 200990.
Multiple epiphyseal dysplasia, Al-Gazali type. Also called: Macrocephaly with multiple epiphyseal dysplasia and distinctive facies. Identifiers: Orphanet 166024, MedGen C1846722, MONDO:0011778, OMIM 607131.
Hydrolethalus syndrome 2 (HLS2). Identifiers: Orphanet 2189, MedGen C3279899, MONDO:0013585, OMIM 614120.
Inborn genetic diseases. Identifiers: MedGen C0950123, MeSH D030342.

Allele frequency attached by ClinVar (database versions not stated): ExAC 0.00001; gnomAD 0.00001; ESP Exome Variant Server 0.00008.

Submissions (3):

Ambry Genetics
Classification: Uncertain significance for Inborn genetic diseases. Last evaluated: 2024-05-15. Review status: criteria provided, single submitter. Criteria: Ambry Variant Classification Scheme 2023. Collection method: clinical testing. Allele origin: germline.

Fulgent Genetics
Classification: Uncertain significance for Acrocallosal syndrome; Multiple epiphyseal dysplasia, Al-Gazali type; Hydrolethalus syndrome 2. Last evaluated: 2024-04-03. Review status: criteria provided, single submitter. Criteria: ACMG Guidelines, 2015. Collection method: clinical testing. Allele origin: germline.

Labcorp Genetics (formerly Invitae), Labcorp
Classification: Uncertain significance for Acrocallosal syndrome. Last evaluated: 2022-07-01. Review status: criteria provided, single submitter. Criteria: Invitae Variant Classification Sherloc (09022015). Collection method: clinical testing. Allele origin: germline.
Comment: In summary, the available evidence is currently insufficient to determine the role of this variant in disease. Therefore, it has been classified as a Variant of Uncertain Significance. Algorithms developed to predict the effect of sequence changes on RNA splicing suggest that this variant may create or strengthen a splice site. Algorithms developed to predict the effect of missense changes on protein structure and function output the following: SIFT: "Tolerated"; PolyPhen-2: "Benign"; Align-GVGD: "Class C0". The valine amino acid residue is found in multiple mammalian species, which suggests that this missense change does not adversely affect protein function. This variant has not been reported in the literature in individuals affected with KIF7-related conditions. This variant is present in population databases (rs370604741, gnomAD 0.002%). This sequence change replaces leucine, which is neutral and non-polar, with valine, which is neutral and non-polar, at codon 671 of the KIF7 protein (p.Leu671Val).

NM_198525.3(KIF7):c.2011T>G (p.Leu671Val)

Gene: KIF7 (kinesin family member 7; minus strand). Cytogenetic location: 15q26.1.
Variant type: single nucleotide variant.
Coding change: c.2011T>G on transcript NM_198525.3 (MANE Select); coding-DNA position 2011, T replaced by G.
Protein change: p.Leu671Val; replaces leucine 671 with valine.
Molecular consequence: missense variant.
Genome position (GRCh38, 1-based): chr15:89,645,363, A>C on the plus strand (T>G on the coding strand, the complement: KIF7 is on the minus strand). VCF-style: chr15-89645363-A-C. GRCh37 (hg19) VCF-style: chr15-90188594-A-C.
Other names: c.2011T>G (NM_198525.2); short protein forms L671V.
Identifiers: ClinVar variation 2193705 (VCV002193705.4), dbSNP rs370604741, ClinGen allele CA7728376.